The following is an entry in ClinVar:

NM_001079668.3(NKX2-1):c.432C>G (p.Tyr144Ter)

Genes: NKX2-1 (NK2 homeobox 1; minus strand), SFTA3 (surfactant associated 3; minus strand). Cytogenetic location: 14q13.3.
Variant type: single nucleotide variant.
Coding change: c.432C>G on transcript NM_001079668.3 (MANE Select); coding-DNA position 432, C replaced by G.
Protein change: p.Tyr144Ter; replaces tyrosine 144 with a stop codon.
Molecular consequence: nonsense.
Genome position (GRCh38, 1-based): chr14:36,519,016, G>C on the plus strand (C>G on the coding strand, the complement: NKX2-1 is on the minus strand). VCF-style: chr14-36519016-G-C. GRCh37 (hg19) VCF-style: chr14-36988221-G-C.
Other names: c.432C>G (NM_001079668.2); c.342C>G, p.Tyr114Ter (NM_003317.4); short protein forms Y114*, Y144*.
Identifiers: ClinVar variation 3770726 (VCV003770726.14).

ClinVar aggregate classification (germline): Pathogenic/Likely pathogenic. Review status: criteria provided, multiple submitters, no conflicts (2 of 4 stars). 2 submissions from 2 submitters: Pathogenic (1); Likely pathogenic (1). Last evaluated 2025-03-31.

Submissions (2):

GeneDx
Classification: Pathogenic. Last evaluated: 2025-03-31. Review status: criteria provided, single submitter. Criteria: GeneDx Variant Classification Process June 2021. Collection method: clinical testing. Allele origin: germline. Affected: yes.
Comment: Nonsense variant predicted to result in protein truncation, as the last 258 amino acid(s) are lost, and other loss-of-function variants have been reported downstream in HGMD; Not observed at significant frequency in large population cohorts (gnomAD); This variant is associated with the following publications: (PMID: 25525159, 19117362)

CeGaT Center for Human Genetics Tuebingen
Classification: Likely pathogenic. Last evaluated: 2025-01-01. Review status: criteria provided, single submitter. Criteria: CeGaT Center For Human Genetics Tuebingen Variant Classification Criteria Version 2. Collection method: clinical testing. Allele origin: germline. Affected: yes. Observed: 1 variant allele.
Comment: NKX2-1: PVS1:Strong, PM2, PS4:Supporting